The following is an entry in ClinVar:

NM_001009999.3(KDM1A):c.2362G>A (p.Val788Ile)

Gene: KDM1A (lysine demethylase 1A; plus strand). Cytogenetic location: 1p36.12.
Variant type: single nucleotide variant.
Coding change: c.2362G>A on transcript NM_001009999.3 (MANE Select); coding-DNA position 2362, G replaced by A.
Protein change: p.Val788Ile; replaces valine 788 with isoleucine.
Molecular consequence: missense variant.
Genome position (GRCh38, 1-based): chr1:23,082,283, G>A. VCF-style: chr1-23082283-G-A. GRCh37 (hg19) VCF-style: chr1-23408776-G-A.
Other names: c.2308G>A, p.Val770Ile (NM_001363654.2); c.2368G>A, p.Val790Ile (NM_001410762.1); c.2290G>A, p.Val764Ile (NM_001410763.1, NM_015013.4); short protein forms V790I, V770I, V764I, V788I.
Identifiers: ClinVar variation 3863309 (VCV003863309.1).

ClinVar aggregate classification (germline): Uncertain significance (1 of 4 stars; one submission).

Conditions:
Inborn genetic diseases. Identifiers: MedGen C0950123, MeSH D030342.

Submission:

Ambry Genetics
Classification: Uncertain significance for Inborn genetic diseases. Last evaluated: 2025-02-03. Review status: criteria provided, single submitter. Criteria: Ambry Variant Classification Scheme 2023. Collection method: clinical testing. Allele origin: germline.
Comment: The p.V788I variant (also known as c.2362G>A), located in coding exon 20 of the KDM1A gene, results from a G to A substitution at nucleotide position 2362. The valine at codon 788 is replaced by isoleucine, an amino acid with highly similar properties. This amino acid position is conserved. In addition, the in silico prediction for this alteration is inconclusive. Based on the available evidence, the clinical significance of this variant remains unclear.